The following is an entry in ClinVar:

NM_019851.3(FGF20):c.56_80del (p.Gln19fs)

Gene: FGF20 (fibroblast growth factor 20; minus strand). Cytogenetic location: 8p22.
Variant type: Deletion.
Coding change: c.56_80del on transcript NM_019851.3 (MANE Select); coding-DNA positions 56 to 80, 25 bases deleted (AGCAGGTGGGTTCGCATTTCCTGTT).
Protein change: p.Gln19fs; shifts the reading frame from glutamine 19.
Molecular consequence: frameshift variant.
Genome position (GRCh38, 1-based): chr8:17,001,953-17,001,977, AACAGGAAATGCGAACCCACCTGCT deleted on the plus strand (AGCAGGTGGGTTCGCATTTCCTGTT on the coding strand, the reverse complement: FGF20 is on the minus strand). VCF-style (leftmost placement, unchanged base first): chr8-17001952-CAACAGGAAATGCGAACCCACCTGCT-C. GRCh37 (hg19) VCF-style: chr8-16859461-CAACAGGAAATGCGAACCCACCTGCT-C.
Other names: short protein forms Q19fs.
Identifiers: ClinVar variation 2811824 (VCV002811824.3), dbSNP rs1810199221, ClinGen allele CA1767407737.

ClinVar aggregate classification (germline): Uncertain significance (1 of 4 stars; one submission).

Allele frequency attached by ClinVar (database versions not stated): TOPMed below 0.00001; gnomAD exomes 0.00001.

Submission:

Labcorp Genetics (formerly Invitae), Labcorp
Classification: Uncertain significance. Last evaluated: 2023-07-17. Review status: criteria provided, single submitter. Criteria: Invitae Variant Classification Sherloc (09022015). Collection method: clinical testing. Allele origin: germline.
Comment: In summary, the available evidence is currently insufficient to determine the role of this variant in disease. Therefore, it has been classified as a Variant of Uncertain Significance. This variant has not been reported in the literature in individuals affected with FGF20-related conditions. This variant is not present in population databases (gnomAD no frequency). This sequence change creates a premature translational stop signal (p.Gln19Argfs*95) in the FGF20 gene. It is expected to result in an absent or disrupted protein product. However, the current clinical and genetic evidence is not sufficient to establish whether loss-of-function variants in FGF20 cause disease.